The following is an entry in ClinVar:

NM_206933.4(USH2A):c.10266C>A (p.Ser3422Arg)

Gene: USH2A (usherin; minus strand). Cytogenetic location: 1q41.
Variant type: single nucleotide variant.
Coding change: c.10266C>A on transcript NM_206933.4 (MANE Select); coding-DNA position 10266, C replaced by A.
Protein change: p.Ser3422Arg; replaces serine 3422 with arginine.
Molecular consequence: missense variant.
Genome position (GRCh38, 1-based): chr1:215,786,791, G>T on the plus strand (C>A on the coding strand, the complement: USH2A is on the minus strand). VCF-style: chr1-215786791-G-T. GRCh37 (hg19) VCF-style: chr1-215960133-G-T.
Other names: short protein forms S3422R.
Identifiers: ClinVar variation 1431044 (VCV001431044.9), dbSNP rs200756318, ClinGen allele CA1394063.

ClinVar aggregate classification (germline): Uncertain significance (1 of 4 stars; one submission).

Allele frequency attached by ClinVar (database versions not stated): gnomAD exomes 0.00001 and 0.00002; ExAC 0.00002.
gnomAD v4.1: 5 of 1,613,714 alleles (0.00031%); highest among the groups gnomAD compares: Admixed American, 0.0083%; no homozygotes.

Submission:

Labcorp Genetics (formerly Invitae), Labcorp
Classification: Uncertain significance. Last evaluated: 2022-01-14. Review status: criteria provided, single submitter. Criteria: Invitae Variant Classification Sherloc (09022015). Collection method: clinical testing. Allele origin: germline.
Comment: In summary, the available evidence is currently insufficient to determine the role of this variant in disease. Therefore, it has been classified as a Variant of Uncertain Significance. Algorithms developed to predict the effect of missense changes on protein structure and function output the following: SIFT: "Deleterious"; PolyPhen-2: "Benign"; Align-GVGD: "Class C0". The arginine amino acid residue is found in multiple mammalian species, which suggests that this missense change does not adversely affect protein function. This variant has not been reported in the literature in individuals affected with USH2A-related conditions. This variant is present in population databases (rs200756318, gnomAD 0.01%). This sequence change replaces serine, which is neutral and polar, with arginine, which is basic and polar, at codon 3422 of the USH2A protein (p.Ser3422Arg).